The following is an entry in ClinVar:

NC_000023.10:g.(?_22094506)_(22108615_?)del

Gene: PHEX (phosphate regulating endopeptidase X-linked; plus strand). Cytogenetic location: Xp22.11.
Variant type: Deletion.
Identifiers: ClinVar variation 1069840 (VCV001069840.5).

ClinVar aggregate classification (germline): Pathogenic (1 of 4 stars; one submission).

Submission:

Labcorp Genetics (formerly Invitae), Labcorp
Classification: Pathogenic. Last evaluated: 2020-02-03. Review status: criteria provided, single submitter. Criteria: Invitae Variant Classification Sherloc (09022015). Collection method: clinical testing. Allele origin: germline.
Comment: This variant is an out-of-frame deletion of the genomic region encompassing exons 4-6 of the PHEX gene. This is expected to create a premature translational stop signal and result in an absent or disrupted protein product. For these reasons, this variant has been classified as Pathogenic. Loss-of-function variants in PHEX are known to be pathogenic (PMID: 9097956, 9106524, 19219621). This variant has not been reported in the literature in individuals with PHEX-related conditions.

Literature cited by the submitters: PubMed 9097956; PubMed 9106524; PubMed 19219621.